The following is an entry in ClinVar:

NM_001162501.2(TNRC6B):c.1090C>T (p.Gln364Ter)

Gene: TNRC6B (trinucleotide repeat containing adaptor 6B; plus strand). Cytogenetic location: 22q13.1.
Variant type: single nucleotide variant.
Coding change: c.1090C>T on transcript NM_001162501.2 (MANE Select); coding-DNA position 1090, C replaced by T.
Protein change: p.Gln364Ter; replaces glutamine 364 with a stop codon.
Molecular consequence: nonsense. On other transcripts: intron variant (1).
Genome position (GRCh38, 1-based): chr22:40,265,320, C>T. VCF-style: chr22-40265320-C-T. GRCh37 (hg19) VCF-style: chr22-40661324-C-T.
Other names: c.1090C>T, p.Gln364Ter (NM_015088.3); c.565+3147C>T (NM_001024843.2); short protein forms Q364*.
Identifiers: ClinVar variation 1352931 (VCV001352931.6), dbSNP rs2146499114, ClinGen allele CA411628678.

ClinVar aggregate classification (germline): Pathogenic (1 of 4 stars; one submission).

Submission:

Labcorp Genetics (formerly Invitae), Labcorp
Classification: Pathogenic. Last evaluated: 2021-05-10. Review status: criteria provided, single submitter. Criteria: Invitae Variant Classification Sherloc (09022015). Collection method: clinical testing. Allele origin: germline.
Comment: For these reasons, this variant has been classified as Pathogenic. This variant has not been reported in the literature in individuals with TNRC6B-related conditions. This variant is not present in population databases (ExAC no frequency). This sequence change creates a premature translational stop signal (p.Gln364*) in the TNRC6B gene. It is expected to result in an absent or disrupted protein product. Loss-of-function variants in TNRC6B are known to be pathogenic (PMID: 32152250).

Literature cited by the submitters: PubMed 32152250.